The following is an entry in ClinVar:

NM_006005.3(WFS1):c.176C>A (p.Ala59Asp)

Gene: WFS1 (wolframin ER transmembrane glycoprotein; plus strand). Cytogenetic location: 4p16.1.
Variant type: single nucleotide variant.
Coding change: c.176C>A on transcript NM_006005.3 (MANE Select); coding-DNA position 176, C replaced by A.
Protein change: p.Ala59Asp; replaces alanine 59 with aspartic acid.
Molecular consequence: missense variant.
Genome position (GRCh38, 1-based): chr4:6,277,631, C>A. VCF-style: chr4-6277631-C-A. GRCh37 (hg19) VCF-style: chr4-6279358-C-A.
Other names: c.176C>A, p.Ala59Asp (NM_001145853.1); short protein forms A59D.
Identifiers: ClinVar variation 1949965 (VCV001949965.6), dbSNP rs71524365, ClinGen allele CA356169782.

ClinVar aggregate classification (germline): Uncertain significance. Review status: criteria provided, multiple submitters, no conflicts (2 of 4 stars). 2 submissions from 2 submitters: Uncertain significance (2). Last evaluated 2023-08-24.

gnomAD v4.1: 2 of 1,570,210 alleles (0.00013%); highest among the groups gnomAD compares: East Asian, 0.0023%; no homozygotes.

Submissions (2):

Labcorp Genetics (formerly Invitae), Labcorp
Classification: Uncertain significance. Last evaluated: 2023-08-24. Review status: criteria provided, single submitter. Criteria: Invitae Variant Classification Sherloc (09022015). Collection method: clinical testing. Allele origin: germline.
Comment: In summary, the available evidence is currently insufficient to determine the role of this variant in disease. Therefore, it has been classified as a Variant of Uncertain Significance. Advanced modeling of protein sequence and biophysical properties (such as structural, functional, and spatial information, amino acid conservation, physicochemical variation, residue mobility, and thermodynamic stability) performed at Invitae indicates that this missense variant is not expected to disrupt WFS1 protein function. ClinVar contains an entry for this variant (Variation ID: 1949965). This variant has not been reported in the literature in individuals affected with WFS1-related conditions. The frequency data for this variant in the population databases is considered unreliable, as metrics indicate poor data quality at this position in the gnomAD database. This sequence change replaces alanine, which is neutral and non-polar, with aspartic acid, which is acidic and polar, at codon 59 of the WFS1 protein (p.Ala59Asp).

Blueprint Genetics
Classification: Uncertain significance. Last evaluated: 2019-05-16. Review status: criteria provided, single submitter. Criteria: ACMG Guidelines, 2015. Collection method: clinical testing. Allele origin: germline.